The following is an entry in ClinVar:

NM_006258.4(PRKG1):c.790A>G (p.Ile264Val)

Gene: PRKG1 (protein kinase cGMP-dependent 1; plus strand). Cytogenetic location: 10q21.1.
Variant type: single nucleotide variant.
Coding change: c.790A>G on transcript NM_006258.4 (MANE Select); coding-DNA position 790, A replaced by G.
Protein change: p.Ile264Val; replaces isoleucine 264 with valine.
Molecular consequence: missense variant.
Genome position (GRCh38, 1-based): chr10:52,054,511, A>G. VCF-style: chr10-52054511-A-G. GRCh37 (hg19) VCF-style: chr10-53814271-A-G.
Other names: c.745A>G, p.Ile249Val (NM_001098512.3, LRG_1135t2); c.790A>G, p.Ile264Val (LRG_1135t1); short protein forms I249V, I264V.
Identifiers: ClinVar variation 493072 (VCV000493072.57), dbSNP rs56082459, ClinGen allele CA5503623.

ClinVar aggregate classification (germline): Conflicting classifications of pathogenicity. Review status: criteria provided, conflicting classifications (1 of 4 stars). 7 submissions from 7 submitters: Uncertain significance (6); Likely benign (1). Last evaluated 2026-08-01.

Conditions:
Aortic aneurysm, familial thoracic 8 (AAT8). Identifiers: MedGen C3809513, MONDO:0014187, OMIM 615436.
Familial thoracic aortic aneurysm and aortic dissection (TAAD). Also called: Thoracic aortic aneurysms and dissections. Identifiers: Orphanet 91387, MedGen C4707243, MONDO:0019625.

Allele frequency attached by ClinVar (database versions not stated): gnomAD exomes 0.00010 and 0.00011; TOPMed 0.00011; ExAC 0.00012; gnomAD 0.00012; ESP Exome Variant Server 0.00015.
gnomAD v4.1: 171 of 1,613,856 alleles (0.011%); highest among the groups gnomAD compares: Non-Finnish European, 0.013%; no homozygotes.

Submissions (7):

CeGaT Center for Human Genetics Tuebingen
Classification: Uncertain significance. Last evaluated: 2026-08-01. Review status: criteria provided, single submitter. Criteria: CeGaT Center For Human Genetics Tuebingen Variant Classification Criteria Version 2. Collection method: clinical testing. Allele origin: germline. Affected: yes. Observed: 3 variant alleles.
Comment: PRKG1: PP2

Ambry Genetics
Classification: Uncertain significance for Familial thoracic aortic aneurysm and aortic dissection. Last evaluated: 2025-11-25. Review status: criteria provided, single submitter. Criteria: Ambry Variant Classification Scheme 2023. Collection method: clinical testing. Allele origin: germline.
Comment: The p.I264V variant (also known as c.790A>G), located in coding exon 6 of the PRKG1 gene, results from an A to G substitution at nucleotide position 790. The isoleucine at codon 264 is replaced by valine, an amino acid with highly similar properties. This alteration was reported in a subject with arterial hypertension and thoracic aortic aneurysm (Encica S et al. Diagnostics (Basel), 2021 Mar;11:). This amino acid position is highly conserved in available vertebrate species. In addition, the in silico prediction for this alteration is inconclusive. Since supporting evidence is limited at this time, the clinical significance of this alteration remains unclear.

GeneDx
Classification: Uncertain significance. Last evaluated: 2025-04-17. Review status: criteria provided, single submitter. Criteria: GeneDx Variant Classification Process June 2021. Collection method: clinical testing. Allele origin: germline. Affected: yes.
Comment: Identified in a patient with ascending aortic aneurysm in published literature (PMID: 33807627); In silico analysis indicates that this missense variant does not alter protein structure/function; This variant is associated with the following publications: (PMID: 33807627, Ferreira2023[preprint])

Labcorp Genetics (formerly Invitae), Labcorp
Classification: Uncertain significance for Aortic aneurysm, familial thoracic 8. Last evaluated: 2024-11-25. Review status: criteria provided, single submitter. Criteria: Invitae Variant Classification Sherloc (09022015). Collection method: clinical testing. Allele origin: germline.
Comment: This sequence change replaces isoleucine, which is neutral and non-polar, with valine, which is neutral and non-polar, at codon 264 of the PRKG1 protein (p.Ile264Val). This variant is present in population databases (rs56082459, gnomAD 0.02%). This variant has not been reported in the literature in individuals affected with PRKG1-related conditions. ClinVar contains an entry for this variant (Variation ID: 493072). An algorithm developed to predict the effect of missense changes on protein structure and function (PolyPhen-2) suggests that this variant¬†is likely to be tolerated. In summary, the available evidence is currently insufficient to determine the role of this variant in disease. Therefore, it has been classified as a Variant of Uncertain Significance.

Blueprint Genetics
Classification: Likely benign. Last evaluated: 2024-11-22. Review status: criteria provided, single submitter. Criteria: ACMG Guidelines, 2015. Collection method: clinical testing. Allele origin: germline.

CHEO Genetics Diagnostic Laboratory, Children's Hospital of Eastern Ontario
Classification: Uncertain significance for Familial thoracic aortic aneurysm and aortic dissection. Last evaluated: 2023-03-15. Review status: criteria provided, single submitter. Criteria: ACMG Guidelines, 2015. Collection method: clinical testing. Allele origin: germline.

Fulgent Genetics
Classification: Uncertain significance for Aortic aneurysm, familial thoracic 8. Last evaluated: 2021-07-12. Review status: criteria provided, single submitter. Criteria: ACMG Guidelines, 2015. Collection method: clinical testing. Allele origin: unknown.

Literature cited by the submitters: PubMed 33807627 (cited by Ambry Genetics).